The following is an entry in ClinVar:

ClinVar aggregate classification (germline): Uncertain significance. Review status: criteria provided, multiple submitters, no conflicts (2 of 4 stars). 2 submissions from 2 submitters: Uncertain significance (2). Last evaluated 2025-02-24.

Allele frequency attached by ClinVar (database versions not stated): ExAC 0.00002; gnomAD 0.00002.
gnomAD v4.1: 69 of 1,598,718 alleles (0.0043%); highest among the groups gnomAD compares: South Asian, 0.0078%; no homozygotes.

Submissions (2):

Labcorp Genetics (formerly Invitae), Labcorp
Classification: Uncertain significance. Last evaluated: 2025-02-24. Review status: criteria provided, single submitter. Criteria: Invitae Variant Classification Sherloc (09022015). Collection method: clinical testing. Allele origin: germline.
Comment: This sequence change replaces glutamic acid, which is acidic and polar, with lysine, which is basic and polar, at codon 681 of the GPR179 protein (p.Glu681Lys). This variant is present in population databases (rs756014456, gnomAD 0.007%). This variant has not been reported in the literature in individuals affected with GPR179-related conditions. ClinVar contains an entry for this variant (Variation ID: 1957752). An algorithm developed to predict the effect of missense changes on protein structure and function (PolyPhen-2) suggests that this variant is likely to be disruptive. In summary, the available evidence is currently insufficient to determine the role of this variant in disease. Therefore, it has been classified as a Variant of Uncertain Significance.

Blueprint Genetics
Classification: Uncertain significance. Last evaluated: 2024-11-01. Review status: criteria provided, single submitter. Criteria: ACMG Guidelines, 2015. Collection method: clinical testing. Allele origin: germline.

NM_001004334.4(GPR179):c.2041G>A (p.Glu681Lys)

Gene: GPR179 (G protein-coupled receptor 179; minus strand). Cytogenetic location: 17q12.
Variant type: single nucleotide variant.
Coding change: c.2041G>A on transcript NM_001004334.4 (MANE Select); coding-DNA position 2041, G replaced by A.
Protein change: p.Glu681Lys; replaces glutamic acid 681 with lysine.
Molecular consequence: missense variant.
Genome position (GRCh38, 1-based): chr17:38,331,528, C>T on the plus strand (G>A on the coding strand, the complement: GPR179 is on the minus strand). VCF-style: chr17-38331528-C-T. GRCh37 (hg19) VCF-style: chr17-36487411-C-T.
Other names: short protein forms E681K.
Identifiers: ClinVar variation 1957752 (VCV001957752.6), dbSNP rs756014456, ClinGen allele CA290106164.